The following continues an entry in ClinVar:

NM_004181.5(UCHL1):c.45+6T>C

Gene: UCHL1. ClinVar aggregate classification (germline): Benign/Likely benign. Benign (5); Likely benign (1).

Submissions 32 to 60 of 60:

Dr. Peter K. Rogan Lab, Western University
No classification provided (evidence only). Condition: Chronic lymphocytic leukemia/small lymphocytic lymphoma. Review status: no classification provided. Collection method: in vitro. Allele origin: not applicable. Functional consequence: retained intron. Not counted in ClinVar's aggregate classification.

Dr. Peter K. Rogan Lab, Western University
No classification provided (evidence only). Condition: Chronic lymphocytic leukemia/small lymphocytic lymphoma. Review status: no classification provided. Collection method: in vitro. Allele origin: not applicable. Functional consequence: retained intron. Not counted in ClinVar's aggregate classification.

Dr. Peter K. Rogan Lab, Western University
No classification provided (evidence only). Condition: Nonpapillary renal cell carcinoma. Review status: no classification provided. Collection method: in vitro. Allele origin: not applicable. Functional consequence: retained intron. Not counted in ClinVar's aggregate classification.

Dr. Peter K. Rogan Lab, Western University
No classification provided (evidence only). Condition: Nonpapillary renal cell carcinoma. Review status: no classification provided. Collection method: in vitro. Allele origin: not applicable. Functional consequence: skipped exon. Not counted in ClinVar's aggregate classification.

Dr. Peter K. Rogan Lab, Western University
No classification provided (evidence only). Condition: Familial pancreatic carcinoma. Review status: no classification provided. Collection method: in vitro. Allele origin: not applicable. Functional consequence: retained intron. Not counted in ClinVar's aggregate classification.

Dr. Peter K. Rogan Lab, Western University
No classification provided (evidence only). Condition: Familial pancreatic carcinoma. Review status: no classification provided. Collection method: in vitro. Allele origin: not applicable. Functional consequence: retained intron. Not counted in ClinVar's aggregate classification.

Dr. Peter K. Rogan Lab, Western University
No classification provided (evidence only). Condition: Familial pancreatic carcinoma. Review status: no classification provided. Collection method: in vitro. Allele origin: not applicable. Functional consequence: retained intron. Not counted in ClinVar's aggregate classification.

Dr. Peter K. Rogan Lab, Western University
No classification provided (evidence only). Condition: Familial pancreatic carcinoma. Review status: no classification provided. Collection method: in vitro. Allele origin: not applicable. Functional consequence: retained intron. Not counted in ClinVar's aggregate classification.

Dr. Peter K. Rogan Lab, Western University
No classification provided (evidence only). Condition: Familial pancreatic carcinoma. Review status: no classification provided. Collection method: in vitro. Allele origin: not applicable. Functional consequence: skipped exon. Not counted in ClinVar's aggregate classification.

Dr. Peter K. Rogan Lab, Western University
No classification provided (evidence only). Condition: Lymphoma. Review status: no classification provided. Collection method: in vitro. Allele origin: not applicable. Functional consequence: retained intron. Not counted in ClinVar's aggregate classification.

Dr. Peter K. Rogan Lab, Western University
No classification provided (evidence only). Condition: Lymphoma. Review status: no classification provided. Collection method: in vitro. Allele origin: not applicable. Functional consequence: retained intron. Not counted in ClinVar's aggregate classification.

Dr. Peter K. Rogan Lab, Western University
No classification provided (evidence only). Condition: Lymphoma. Review status: no classification provided. Collection method: in vitro. Allele origin: not applicable. Functional consequence: retained intron. Not counted in ClinVar's aggregate classification.

Dr. Peter K. Rogan Lab, Western University
No classification provided (evidence only). Condition: Lymphoma. Review status: no classification provided. Collection method: in vitro. Allele origin: not applicable. Functional consequence: skipped exon, retained intron. Not counted in ClinVar's aggregate classification.

Dr. Peter K. Rogan Lab, Western University
No classification provided (evidence only). Condition: Lymphoma. Review status: no classification provided. Collection method: in vitro. Allele origin: not applicable. Functional consequence: retained intron. Not counted in ClinVar's aggregate classification.

Dr. Peter K. Rogan Lab, Western University
No classification provided (evidence only). Condition: Lymphoma. Review status: no classification provided. Collection method: in vitro. Allele origin: not applicable. Functional consequence: retained intron. Not counted in ClinVar's aggregate classification.

Dr. Peter K. Rogan Lab, Western University
No classification provided (evidence only). Condition: Lymphoma. Review status: no classification provided. Collection method: in vitro. Allele origin: not applicable. Functional consequence: retained intron. Not counted in ClinVar's aggregate classification.

Dr. Peter K. Rogan Lab, Western University
No classification provided (evidence only). Condition: Lymphoma. Review status: no classification provided. Collection method: in vitro. Allele origin: not applicable. Functional consequence: retained intron. Not counted in ClinVar's aggregate classification.

Dr. Peter K. Rogan Lab, Western University
No classification provided (evidence only). Condition: Lymphoma. Review status: no classification provided. Collection method: in vitro. Allele origin: not applicable. Functional consequence: retained intron. Not counted in ClinVar's aggregate classification.

Dr. Peter K. Rogan Lab, Western University
No classification provided (evidence only). Condition: Lymphoma. Review status: no classification provided. Collection method: in vitro. Allele origin: not applicable. Functional consequence: retained intron. Not counted in ClinVar's aggregate classification.

Dr. Peter K. Rogan Lab, Western University
No classification provided (evidence only). Condition: Lymphoma. Review status: no classification provided. Collection method: in vitro. Allele origin: not applicable. Functional consequence: retained intron. Not counted in ClinVar's aggregate classification.

Dr. Peter K. Rogan Lab, Western University
No classification provided (evidence only). Condition: Lymphoma. Review status: no classification provided. Collection method: in vitro. Allele origin: not applicable. Functional consequence: retained intron. Not counted in ClinVar's aggregate classification.

Dr. Peter K. Rogan Lab, Western University
No classification provided (evidence only). Condition: Ovarian cancer. Review status: no classification provided. Collection method: in vitro. Allele origin: not applicable. Functional consequence: retained intron. Not counted in ClinVar's aggregate classification.

Dr. Peter K. Rogan Lab, Western University
No classification provided (evidence only). Condition: Ovarian cancer. Review status: no classification provided. Collection method: in vitro. Allele origin: not applicable. Functional consequence: retained intron. Not counted in ClinVar's aggregate classification.

Dr. Peter K. Rogan Lab, Western University
No classification provided (evidence only). Condition: Ovarian cancer. Review status: no classification provided. Collection method: in vitro. Allele origin: not applicable. Functional consequence: retained intron. Not counted in ClinVar's aggregate classification.

Dr. Peter K. Rogan Lab, Western University
No classification provided (evidence only). Condition: Ovarian cancer. Review status: no classification provided. Collection method: in vitro. Allele origin: not applicable. Functional consequence: retained intron. Not counted in ClinVar's aggregate classification.

Dr. Peter K. Rogan Lab, Western University
No classification provided (evidence only). Condition: Ovarian cancer. Review status: no classification provided. Collection method: in vitro. Allele origin: not applicable. Functional consequence: retained intron. Not counted in ClinVar's aggregate classification.

Dr. Peter K. Rogan Lab, Western University
No classification provided (evidence only). Condition: Ovarian cancer. Review status: no classification provided. Collection method: in vitro. Allele origin: not applicable. Functional consequence: retained intron. Not counted in ClinVar's aggregate classification.

Dr. Peter K. Rogan Lab, Western University
No classification provided (evidence only). Condition: Ovarian cancer. Review status: no classification provided. Collection method: in vitro. Allele origin: not applicable. Functional consequence: retained intron. Not counted in ClinVar's aggregate classification.

Dr. Peter K. Rogan Lab, Western University
No classification provided (evidence only). Condition: Ovarian cancer. Review status: no classification provided. Collection method: in vitro. Allele origin: not applicable. Functional consequence: skipped exon, retained intron. Not counted in ClinVar's aggregate classification.